The following is an entry in ClinVar:

NM_001329943.3(KIAA0586):c.3739G>A (p.Gly1247Arg)

Gene: KIAA0586 (KIAA0586; plus strand). Cytogenetic location: 14q23.1.
Variant type: single nucleotide variant.
Coding change: c.3739G>A on transcript NM_001329943.3 (MANE Select); coding-DNA position 3739, G replaced by A.
Protein change: p.Gly1247Arg; replaces glycine 1247 with arginine.
Molecular consequence: missense variant.
Genome position (GRCh38, 1-based): chr14:58,488,832, G>A. VCF-style: chr14-58488832-G-A. GRCh37 (hg19) VCF-style: chr14-58955550-G-A.
Other names: c.3898G>A, p.Gly1300Arg (NM_001244189.2); c.3694G>A, p.Gly1232Arg (NM_001244190.2); c.3484G>A, p.Gly1162Arg (NM_001244191.2, NM_001329945.2, NM_001364700.1 and 1 more transcripts); c.3607G>A, p.Gly1203Arg (NM_001244192.2); c.3319G>A, p.Gly1107Arg (NM_001244193.2); c.3739G>A, p.Gly1247Arg (NM_001329944.2, NM_001329946.2, NM_001329947.2); c.3511G>A, p.Gly1171Arg (NM_014749.5); short protein forms G1203R, G1247R, G1300R, G1232R, G1107R, G1162R, G1171R.
Identifiers: ClinVar variation 642127 (VCV000642127.6), dbSNP rs1595348112, ClinGen allele CA389882875.

ClinVar aggregate classification (germline): Uncertain significance (1 of 4 stars; one submission).

Conditions:
Joubert syndrome 23 (JBTS23). Identifiers: Orphanet 475, MedGen C4084822, MONDO:0014664, OMIM 616490.
Short-rib thoracic dysplasia 14 with polydactyly (SRTD14). Identifiers: Orphanet 397715, MedGen C4225286, MONDO:0014688, OMIM 616546.

Allele frequency attached by ClinVar (database versions not stated): gnomAD exomes below 0.00001.
gnomAD v4.1: 2 of 1,613,846 alleles (0.00012%); highest among the groups gnomAD compares: Non-Finnish European, 0.00017%; no homozygotes.

Submission:

Labcorp Genetics (formerly Invitae), Labcorp
Classification: Uncertain significance for Joubert syndrome 23; Short-rib thoracic dysplasia 14 with polydactyly. Last evaluated: 2022-09-13. Review status: criteria provided, single submitter. Criteria: Invitae Variant Classification Sherloc (09022015). Collection method: clinical testing. Allele origin: germline.
Comment: In summary, the available evidence is currently insufficient to determine the role of this variant in disease. Therefore, it has been classified as a Variant of Uncertain Significance. This sequence change replaces glycine, which is neutral and non-polar, with arginine, which is basic and polar, at codon 1300 of the KIAA0586 protein (p.Gly1300Arg). This variant is not present in population databases (gnomAD no frequency). This variant has not been reported in the literature in individuals affected with KIAA0586-related conditions. ClinVar contains an entry for this variant (Variation ID: 642127). Advanced modeling of protein sequence and biophysical properties (such as structural, functional, and spatial information, amino acid conservation, physicochemical variation, residue mobility, and thermodynamic stability) performed at Invitae indicates that this missense variant is expected to disrupt KIAA0586 protein function.